The following is an entry in ClinVar:

NM_013275.6(ANKRD11):c.4394A>G (p.His1465Arg)

Gene: ANKRD11 (ankyrin repeat domain 11; minus strand). Cytogenetic location: 16q24.3.
Variant type: single nucleotide variant.
Coding change: c.4394A>G on transcript NM_013275.6 (MANE Select); coding-DNA position 4394, A replaced by G.
Protein change: p.His1465Arg; replaces histidine 1465 with arginine.
Molecular consequence: missense variant.
Genome position (GRCh38, 1-based): chr16:89,282,148, T>C on the plus strand (A>G on the coding strand, the complement: ANKRD11 is on the minus strand). VCF-style: chr16-89282148-T-C. GRCh37 (hg19) VCF-style: chr16-89348556-T-C.
Other names: c.4394A>G, p.His1465Arg (NM_001256182.2, NM_001256183.2); short protein forms H1465R.
Identifiers: ClinVar variation 571893 (VCV000571893.8), dbSNP rs960634497, ClinGen allele CA397157667.

ClinVar aggregate classification (germline): Uncertain significance (1 of 4 stars; one submission).

Conditions:
KBG syndrome (KBGS). Also called: ANKRD11-Related KBG Syndrome. Identifiers: Orphanet 2332, MedGen C0220687, MONDO:0007846, OMIM 148050.

gnomAD v4.1: 3 of 1,613,958 alleles (0.00019%); highest among the groups gnomAD compares: African/African-American, 0.004%; no homozygotes.

Submission:

Labcorp Genetics (formerly Invitae), Labcorp
Classification: Uncertain significance for KBG syndrome. Last evaluated: 2023-10-11. Review status: criteria provided, single submitter. Criteria: Invitae Variant Classification Sherloc (09022015). Collection method: clinical testing. Allele origin: germline.
Comment: This sequence change replaces histidine, which is basic and polar, with arginine, which is basic and polar, at codon 1465 of the ANKRD11 protein (p.His1465Arg). This variant is present in population databases (no rsID available, gnomAD 0.01%). This variant has not been reported in the literature in individuals affected with ANKRD11-related conditions. ClinVar contains an entry for this variant (Variation ID: 571893). Advanced modeling of protein sequence and biophysical properties (such as structural, functional, and spatial information, amino acid conservation, physicochemical variation, residue mobility, and thermodynamic stability) performed at Invitae indicates that this missense variant is not expected to disrupt ANKRD11 protein function. In summary, the available evidence is currently insufficient to determine the role of this variant in disease. Therefore, it has been classified as a Variant of Uncertain Significance.